The following is an entry in ClinVar:

NM_003801.4(GPAA1):c.643C>G (p.Arg215Gly)

Gene: GPAA1 (glycosylphosphatidylinositol anchor attachment 1; plus strand). Cytogenetic location: 8q24.3.
Variant type: single nucleotide variant.
Coding change: c.643C>G on transcript NM_003801.4 (MANE Select); coding-DNA position 643, C replaced by G.
Protein change: p.Arg215Gly; replaces arginine 215 with glycine.
Molecular consequence: missense variant.
Genome position (GRCh38, 1-based): chr8:144,084,160, C>G. VCF-style: chr8-144084160-C-G. GRCh37 (hg19) VCF-style: chr8-145139063-C-G.
Other names: c.643C>G (NM_003801.3); short protein forms R215G.
Identifiers: ClinVar variation 2048089 (VCV002048089.3), dbSNP rs782498857, ClinGen allele CA372600082.

ClinVar aggregate classification (germline): Uncertain significance. Review status: criteria provided, multiple submitters, no conflicts (2 of 4 stars). 2 submissions from 2 submitters: Uncertain significance (2). Last evaluated 2024-11-14.

Conditions:
Inborn genetic diseases. Identifiers: MedGen C0950123, MeSH D030342.

gnomAD v4.1: 18 of 1,613,472 alleles (0.0011%); highest among the groups gnomAD compares: African/African-American, 0.023%; no homozygotes.

Submissions (2):

Ambry Genetics
Classification: Uncertain significance for Inborn genetic diseases. Last evaluated: 2024-11-14. Review status: criteria provided, single submitter. Criteria: Ambry Variant Classification Scheme 2023. Collection method: clinical testing. Allele origin: germline.

Labcorp Genetics (formerly Invitae), Labcorp
Classification: Uncertain significance. Last evaluated: 2022-04-09. Review status: criteria provided, single submitter. Criteria: Invitae Variant Classification Sherloc (09022015). Collection method: clinical testing. Allele origin: germline.
Comment: In summary, the available evidence is currently insufficient to determine the role of this variant in disease. Therefore, it has been classified as a Variant of Uncertain Significance. Algorithms developed to predict the effect of missense changes on protein structure and function are either unavailable or do not agree on the potential impact of this missense change (SIFT: "Deleterious"; PolyPhen-2: "Possibly Damaging"; Align-GVGD: "Class C0"). This variant has not been reported in the literature in individuals affected with GPAA1-related conditions. This variant is present in population databases (no rsID available, gnomAD 0.02%). This sequence change replaces arginine, which is basic and polar, with glycine, which is neutral and non-polar, at codon 215 of the GPAA1 protein (p.Arg215Gly).